The following is an entry in ClinVar:

ClinVar aggregate classification (germline): Uncertain significance. Review status: criteria provided, multiple submitters, no conflicts (2 of 4 stars). 2 submissions from 2 submitters: Uncertain significance (2). Last evaluated 2024-05-28.

Conditions:
Inborn genetic diseases. Identifiers: MedGen C0950123, MeSH D030342.

Allele frequency attached by ClinVar (database versions not stated): gnomAD exomes 0.00001.
gnomAD v4.1: 7 of 1,614,000 alleles (0.00043%); highest among the groups gnomAD compares: Non-Finnish European, 0.00059%; no homozygotes.

Submissions (2):

Ambry Genetics
Classification: Uncertain significance for Inborn genetic diseases. Last evaluated: 2024-05-28. Review status: criteria provided, single submitter. Criteria: Ambry Variant Classification Scheme 2023. Collection method: clinical testing. Allele origin: germline.

Labcorp Genetics (formerly Invitae), Labcorp
Classification: Uncertain significance. Last evaluated: 2023-12-21. Review status: criteria provided, single submitter. Criteria: Invitae Variant Classification Sherloc (09022015). Collection method: clinical testing. Allele origin: germline.
Comment: This sequence change replaces tyrosine, which is neutral and polar, with cysteine, which is neutral and slightly polar, at codon 491 of the GSN protein (p.Tyr491Cys). This variant is not present in population databases (gnomAD no frequency). This variant has not been reported in the literature in individuals affected with GSN-related conditions. Advanced modeling of protein sequence and biophysical properties (such as structural, functional, and spatial information, amino acid conservation, physicochemical variation, residue mobility, and thermodynamic stability) performed at Invitae indicates that this missense variant is expected to disrupt GSN protein function with a positive predictive value of 80%. In summary, the available evidence is currently insufficient to determine the role of this variant in disease. Therefore, it has been classified as a Variant of Uncertain Significance.

NM_198252.3(GSN):c.1319A>G (p.Tyr440Cys)

Gene: GSN (gelsolin; plus strand). Cytogenetic location: 9q33.2.
Variant type: single nucleotide variant.
Coding change: c.1319A>G on transcript NM_198252.3 (MANE Select); coding-DNA position 1319, A replaced by G.
Protein change: p.Tyr440Cys; replaces tyrosine 440 with cysteine.
Molecular consequence: missense variant.
Genome position (GRCh38, 1-based): chr9:121,321,395, A>G. VCF-style: chr9-121321395-A-G. GRCh37 (hg19) VCF-style: chr9-124083673-A-G.
Other names: c.1472A>G (NM_000177.4); c.1472A>G, p.Tyr491Cys (NM_000177.5); c.1319A>G, p.Tyr440Cys (NM_001127662.2, NM_001127664.2, NM_001127665.2 and 10 more transcripts); c.1427A>G, p.Tyr476Cys (NM_001127663.2); c.1352A>G, p.Tyr451Cys (NM_001127666.2, NM_001353069.2, NM_001353070.2 and 13 more transcripts); c.1391A>G, p.Tyr464Cys (NM_001353076.2); c.665A>G, p.Tyr222Cys (NM_001353078.2); c.1370A>G, p.Tyr457Cys (NM_001258029.2); and 1 more; short protein forms Y222C, Y451C, Y440C, Y457C, Y464C, Y448C, Y476C, Y491C.
Identifiers: ClinVar variation 3006021 (VCV003006021.4), dbSNP rs1051993391, ClinGen allele CA199412825.